The following is an entry in ClinVar:

NM_032531.4(KIRREL3):c.1852G>T (p.Glu618Ter)

Gene: KIRREL3 (kirre like nephrin family adhesion molecule 3; minus strand). Cytogenetic location: 11q24.2.
Variant type: single nucleotide variant.
Coding change: c.1852G>T on transcript NM_032531.4 (MANE Select); coding-DNA position 1852, G replaced by T.
Protein change: p.Glu618Ter; replaces glutamic acid 618 with a stop codon.
Molecular consequence: nonsense.
Genome position (GRCh38, 1-based): chr11:126,425,679, C>A on the plus strand (G>T on the coding strand, the complement: KIRREL3 is on the minus strand). VCF-style: chr11-126425679-C-A. GRCh37 (hg19) VCF-style: chr11-126295574-C-A.
Other names: c.1816G>T, p.Glu606Ter (NM_001301097.2); c.1891G>T, p.Glu631Ter (NM_001441251.1, NM_001441254.1); c.1960G>T, p.Glu654Ter (NM_001441252.1); c.1927G>T, p.Glu643Ter (NM_001441253.1); c.1885G>T, p.Glu629Ter (NM_001441255.1); c.1855G>T, p.Glu619Ter (NM_001441256.1); c.1852G>T, p.Glu618Ter (NM_001441257.1, NM_001441258.1); c.1810G>T, p.Glu604Ter (NM_001441259.1); and 3 more; short protein forms E556*, E570*, E592*, E604*, E606*, E618*, E619*, E629*.
Identifiers: ClinVar variation 4975123 (VCV004975123.1).

ClinVar aggregate classification (germline): Uncertain significance (1 of 4 stars; one submission).

Submission:

GeneDx
Classification: Uncertain significance. Last evaluated: 2025-03-22. Review status: criteria provided, single submitter. Criteria: GeneDx Variant Classification Process June 2021. Collection method: clinical testing. Allele origin: germline.
Comment: Not observed at significant frequency in large population cohorts (gnomAD); Has not been previously published as pathogenic or benign to our knowledge; Variants in candidate genes are classified as variants of uncertain significance in accordance with ACMG guidelines (PMID: 25741868); Nonsense variant predicted to result in protein truncation as the last 161 amino acid(s) are lost with an unclear effect on protein function